The following is an entry in ClinVar:

NM_003978.5(PSTPIP1):c.835C>G (p.Pro279Ala)

Gene: PSTPIP1 (proline-serine-threonine phosphatase interacting protein 1; plus strand). Cytogenetic location: 15q24.3.
Variant type: single nucleotide variant.
Coding change: c.835C>G on transcript NM_003978.5 (MANE Select); coding-DNA position 835, C replaced by G.
Protein change: p.Pro279Ala; replaces proline 279 with alanine.
Molecular consequence: missense variant.
Genome position (GRCh38, 1-based): chr15:77,032,391, C>G. VCF-style: chr15-77032391-C-G. GRCh37 (hg19) VCF-style: chr15-77324732-C-G.
Other names: c.835C>G, p.Pro279Ala (NM_001321135.2, NM_001411086.1); c.808C>G, p.Pro270Ala (NM_001321136.2); c.1030C>G, p.Pro344Ala (NM_001321137.1); c.835C>G (NM_003978.4); short protein forms P344A, P270A, P279A.
Identifiers: ClinVar variation 4741449 (VCV004741449.2).

ClinVar aggregate classification (germline): Uncertain significance. Review status: criteria provided, multiple submitters, no conflicts (2 of 4 stars). 2 submissions from 2 submitters: Uncertain significance (2). Last evaluated 2026-05-16.

Conditions:
PSTPIP1-related disorder. Also called: PSTPIP1-related condition.
Pyogenic arthritis-pyoderma gangrenosum-acne syndrome (PAPA). Also called: FAMILIAL RECURRENT ARTHRITIS; PAPA SYNDROME. Identifiers: Orphanet 69126, MedGen C1858361, MONDO:0011462, OMIM 604416.

Submissions (2):

PreventionGenetics, part of Exact Sciences
Classification: Uncertain significance for PSTPIP1-related condition. Last evaluated: 2026-05-16. Review status: criteria provided, single submitter. Criteria: ACMG Guidelines, 2015. Collection method: clinical testing. Allele origin: germline.
Comment: The PSTPIP1 c.835C>G variant is predicted to result in the amino acid substitution p.Pro279Ala. To our knowledge, this variant has not been reported in the literature or in a large population database (gnomAD), indicating this variant is rare. At this time, the clinical significance of this variant is uncertain due to the absence of conclusive functional and genetic evidence.

Labcorp Genetics (formerly Invitae), Labcorp
Classification: Uncertain significance for Pyogenic arthritis-pyoderma gangrenosum-acne syndrome. Last evaluated: 2025-06-03. Review status: criteria provided, single submitter. Criteria: Invitae Variant Classification Sherloc (09022015). Collection method: clinical testing. Allele origin: germline.
Comment: This sequence change replaces proline, which is neutral and non-polar, with alanine, which is neutral and non-polar, at codon 279 of the PSTPIP1 protein (p.Pro279Ala). This variant is not present in population databases (gnomAD no frequency). This variant has not been reported in the literature in individuals affected with PSTPIP1-related conditions. Invitae Evidence Modeling of protein sequence and biophysical properties (such as structural, functional, and spatial information, amino acid conservation, physicochemical variation, residue mobility, and thermodynamic stability) indicates that this missense variant is not expected to disrupt PSTPIP1 protein function with a negative predictive value of 80%. In summary, the available evidence is currently insufficient to determine the role of this variant in disease. Therefore, it has been classified as a Variant of Uncertain Significance.